The following is an entry in ClinVar:

ClinVar aggregate classification (germline): Uncertain significance (1 of 4 stars; one submission).

Conditions:
Intellectual developmental disorder, autosomal dominant 1. Also called: Intellectual disability, autosomal dominant 1; MBD5 Haploinsufficiency. Identifiers: Orphanet 228402, MedGen C1969562, MONDO:0007974, OMIM 156200.

Allele frequency attached by ClinVar (database versions not stated): gnomAD exomes below 0.00001.
gnomAD v4.1: 1 of 1,613,924 alleles (0.000062%); highest among the groups gnomAD compares: Non-Finnish European, 0.000085%; no homozygotes.

Submission:

Labcorp Genetics (formerly Invitae), Labcorp
Classification: Uncertain significance for Intellectual developmental disorder, autosomal dominant 1. Last evaluated: 2023-09-25. Review status: criteria provided, single submitter. Criteria: Invitae Variant Classification Sherloc (09022015). Collection method: clinical testing. Allele origin: germline.
Comment: In summary, the available evidence is currently insufficient to determine the role of this variant in disease. Therefore, it has been classified as a Variant of Uncertain Significance. Advanced modeling of protein sequence and biophysical properties (such as structural, functional, and spatial information, amino acid conservation, physicochemical variation, residue mobility, and thermodynamic stability) performed at Invitae indicates that this missense variant is not expected to disrupt MBD5 protein function. ClinVar contains an entry for this variant (Variation ID: 953198). This variant has not been reported in the literature in individuals affected with MBD5-related conditions. This variant is not present in population databases (gnomAD no frequency). This sequence change replaces arginine, which is basic and polar, with lysine, which is basic and polar, at codon 252 of the MBD5 protein (p.Arg252Lys).

NM_001378120.1(MBD5):c.755G>A (p.Arg252Lys)

Gene: MBD5 (methyl-CpG binding domain protein 5; plus strand). Cytogenetic location: 2q23.1.
Variant type: single nucleotide variant.
Coding change: c.755G>A on transcript NM_001378120.1 (MANE Select); coding-DNA position 755, G replaced by A.
Protein change: p.Arg252Lys; replaces arginine 252 with lysine.
Molecular consequence: missense variant.
Genome position (GRCh38, 1-based): chr2:148,468,698, G>A. VCF-style: chr2-148468698-G-A. GRCh37 (hg19) VCF-style: chr2-149226267-G-A.
Other names: c.755G>A, p.Arg252Lys (NM_018328.5); short protein forms R252K.
Identifiers: ClinVar variation 953198 (VCV000953198.10), dbSNP rs1680677784, ClinGen allele CA348717651.